The following is an entry in ClinVar:

ClinVar aggregate classification (germline): Pathogenic (1 of 4 stars; one submission).

Conditions:
Wilms tumor 1 (WT1). Also called: Wilms tumor, somatic. Identifiers: Orphanet 654, MedGen CN033288, MONDO:0008679, OMIM 194070.

Submission:

Labcorp Genetics (formerly Invitae), Labcorp
Classification: Pathogenic for Wilms tumor 1. Last evaluated: 2022-10-03. Review status: criteria provided, single submitter. Criteria: Invitae Variant Classification Sherloc (09022015). Collection method: clinical testing. Allele origin: germline.
Comment: A gross deletion of the genomic region encompassing the full coding sequence of the GPC3 gene has been identified. Loss-of-function variants in GPC3 are known to be pathogenic (PMID: 10402475, 12713262, 17603795). The boundaries of this event are unknown as they extend beyond the assayed region for this gene and therefore may encompass additional genes. This variant has not been reported in the literature in individuals affected with GPC3-related conditions. For these reasons, this variant has been classified as Pathogenic.

Literature cited by the submitters: PubMed 10402475; PubMed 12713262; PubMed 17603795.

NC_000023.10:g.(?_132670152)_(133119476_?)del

Gene: GPC3 (glypican 3; minus strand). Cytogenetic location: Xq26.2.
Variant type: Deletion.
Identifiers: ClinVar variation 1069346 (VCV001069346.7).